The following is an entry in ClinVar:

NM_000081.4(LYST):c.259C>A (p.Pro87Thr)

Gene: LYST (lysosomal trafficking regulator; minus strand). Cytogenetic location: 1q42.3.
Variant type: single nucleotide variant.
Coding change: c.259C>A on transcript NM_000081.4 (MANE Select); coding-DNA position 259, C replaced by A.
Protein change: p.Pro87Thr; replaces proline 87 with threonine.
Molecular consequence: missense variant.
Genome position (GRCh38, 1-based): chr1:235,812,995, G>T on the plus strand (C>A on the coding strand, the complement: LYST is on the minus strand). VCF-style: chr1-235812995-G-T. GRCh37 (hg19) VCF-style: chr1-235976295-G-T.
Other names: p.Pro87Thr; c.259C>A, p.Pro87Thr (NM_001301365.1); short protein forms P87T.
Identifiers: ClinVar variation 1416639 (VCV001416639.6), dbSNP rs779163949, ClinGen allele CA1467678.

ClinVar aggregate classification (germline): Uncertain significance. Review status: criteria provided, multiple submitters, no conflicts (2 of 4 stars). 2 submissions from 2 submitters: Uncertain significance (2). Last evaluated 2025-01-15.

Conditions:
Chédiak-Higashi syndrome (CHS). Also called: Chediak-Higashi Syndrome. Identifiers: Orphanet 167, MedGen C0007965, MONDO:0008963, OMIM 214500.

Allele frequency attached by ClinVar (database versions not stated): gnomAD 0.00001; ExAC 0.00002; TOPMed 0.00002.
gnomAD v4.1: 12 of 1,610,920 alleles (0.00074%); highest among the groups gnomAD compares: Admixed American, 0.02%; no homozygotes.

Submissions (2):

Mayo Clinic Laboratories, Mayo Clinic
Classification: Uncertain significance. Last evaluated: 2025-01-15. Review status: criteria provided, single submitter. Criteria: ACMG Guidelines, 2015. Collection method: clinical testing. Allele origin: germline. Observed: 1 variant allele.
Comment: PM2_supporting

Labcorp Genetics (formerly Invitae), Labcorp
Classification: Uncertain significance for Chédiak-Higashi syndrome. Last evaluated: 2023-09-08. Review status: criteria provided, single submitter. Criteria: Invitae Variant Classification Sherloc (09022015). Collection method: clinical testing. Allele origin: germline.
Comment: This sequence change replaces proline, which is neutral and non-polar, with threonine, which is neutral and polar, at codon 87 of the LYST protein (p.Pro87Thr). This variant is present in population databases (rs779163949, gnomAD 0.01%). This variant has not been reported in the literature in individuals affected with LYST-related conditions. ClinVar contains an entry for this variant (Variation ID: 1416639). Advanced modeling of protein sequence and biophysical properties (such as structural, functional, and spatial information, amino acid conservation, physicochemical variation, residue mobility, and thermodynamic stability) has been performed at Invitae for this missense variant, however the output from this modeling did not meet the statistical confidence thresholds required to predict the impact of this variant on LYST protein function. In summary, the available evidence is currently insufficient to determine the role of this variant in disease. Therefore, it has been classified as a Variant of Uncertain Significance.